The following is an entry in ClinVar:

ClinVar aggregate classification (germline): Uncertain significance (1 of 4 stars; one submission).

Allele frequency attached by ClinVar (database versions not stated): TOPMed 0.00015; gnomAD 0.00020 and 0.00021; gnomAD exomes 0.00021 and 0.00022; ExAC 0.00026.
gnomAD v4.1: 293 of 1,435,910 alleles (0.02%); highest among the groups gnomAD compares: Non-Finnish European, 0.023%; no homozygotes.

Submissions (3):

Labcorp Genetics (formerly Invitae), Labcorp
Classification: Uncertain significance. Last evaluated: 2025-09-02. Review status: criteria provided, single submitter. Criteria: Invitae Variant Classification Sherloc (09022015). Collection method: clinical testing. Allele origin: germline.
Comment: This sequence change falls in intron 6 of the GMNN gene. It does not directly change the encoded amino acid sequence of the GMNN protein. It affects a nucleotide within the consensus splice site. This variant is present in population databases (rs201229321, gnomAD 0.08%), and has an allele count higher than expected for a pathogenic variant. This variant has not been reported in the literature in individuals affected with GMNN-related conditions. ClinVar contains an entry for this variant (Variation ID: 1003567). Variants that disrupt the consensus splice site are a relatively common cause of aberrant splicing (PMID: 17576681, 9536098). Algorithms developed to predict the effect of sequence changes on RNA splicing suggest that this variant may disrupt the consensus splice site. In summary, the available evidence is currently insufficient to determine the role of this variant in disease. Therefore, it has been classified as a Variant of Uncertain Significance.

Dr. Peter K. Rogan Lab, Western University
No classification provided (evidence only). Condition: Clear cell carcinoma of kidney. Review status: no classification provided. Collection method: in vitro. Allele origin: not applicable. Functional consequence: retained intron. Not counted in ClinVar's aggregate classification.

Dr. Peter K. Rogan Lab, Western University
No classification provided (evidence only). Condition: Clear cell carcinoma of kidney. Review status: no classification provided. Collection method: in vitro. Allele origin: not applicable. Functional consequence: cryptic splice site, retained intron. Not counted in ClinVar's aggregate classification.

Literature cited by the submitters: PubMed 17576681 (cited by Labcorp Genetics (formerly Invitae), Labcorp); PubMed 9536098 (cited by Labcorp Genetics (formerly Invitae), Labcorp).

NM_015895.5(GMNN):c.469-3A>G

Gene: GMNN (geminin DNA replication inhibitor; plus strand). Cytogenetic location: 6p22.3.
Variant type: single nucleotide variant.
Coding change: c.469-3A>G on transcript NM_015895.5 (MANE Select); 3 bases into the intron before coding-DNA position 469, A replaced by G.
Molecular consequence: intron variant.
Genome position (GRCh38, 1-based): chr6:24,785,635, A>G. VCF-style: chr6-24785635-A-G. GRCh37 (hg19) VCF-style: chr6-24785863-A-G.
Other names: c.469-3A>G (NM_001251989.2, NM_001251990.2, NM_001251991.1).
Identifiers: ClinVar variation 1003567 (VCV001003567.7), dbSNP rs201229321, ClinGen allele CA3658943.